The following is an entry in ClinVar:

ClinVar aggregate classification (germline): Uncertain significance (1 of 4 stars; one submission).

Conditions:
Ataxia-telangiectasia syndrome (AT). Also called: LOUIS-BAR SYNDROME; Ataxia-telangiectasia, complementation group D; ATAXIA-TELANGIECTASIA, COMPLEMENTATION GROUP A; ATAXIA-TELANGIECTASIA, FRESNO VARIANT; Ataxia-telangiectasia; Ataxia telangiectasia (A-T). Identifiers: Orphanet 100, MedGen C0004135, MONDO:0008840, OMIM 208900.

Submission:

Labcorp Genetics (formerly Invitae), Labcorp
Classification: Uncertain significance for Ataxia-telangiectasia syndrome. Last evaluated: 2023-01-23. Review status: criteria provided, single submitter. Criteria: Invitae Variant Classification Sherloc (09022015). Collection method: clinical testing. Allele origin: germline.
Comment: Algorithms developed to predict the effect of missense changes on protein structure and function are either unavailable or do not agree on the potential impact of this missense change (SIFT: "Deleterious"; PolyPhen-2: "Benign"; Align-GVGD: "Class C0"). This variant has not been reported in the literature in individuals affected with ATM-related conditions. This variant is not present in population databases (gnomAD no frequency). This sequence change replaces threonine, which is neutral and polar, with asparagine, which is neutral and polar, at codon 195 of the ATM protein (p.Thr195Asn). In summary, the available evidence is currently insufficient to determine the role of this variant in disease. Therefore, it has been classified as a Variant of Uncertain Significance.

NM_000051.4(ATM):c.584C>A (p.Thr195Asn)

Gene: ATM (ATM serine/threonine kinase; plus strand). Cytogenetic location: 11q22.3.
Variant type: single nucleotide variant.
Coding change: c.584C>A on transcript NM_000051.4 (MANE Select); coding-DNA position 584, C replaced by A.
Protein change: p.Thr195Asn; replaces threonine 195 with asparagine.
Molecular consequence: missense variant.
Genome position (GRCh38, 1-based): chr11:108,244,040, C>A. VCF-style: chr11-108244040-C-A. GRCh37 (hg19) VCF-style: chr11-108114767-C-A.
Other names: c.584C>A, p.Thr195Asn (NM_001351834.2); short protein forms T195N.
Identifiers: ClinVar variation 2831360 (VCV002831360.3), dbSNP rs1196611507, ClinGen allele CA382527944.
Genomic context (GRCh38, chr11:108,244,040, plus strand): 5'-ATCTGAAACCTTCACAAGATGTTCATAGAGTTTTAGTGGCTAGAATAATTCATGCTGTTA[C>A]CAAAGGATGCTGTTCTCAGACTGACGGATTAAATTCCAAATTTTTGGACTTTTTTTCCAA-3'
Protein context (NP_000042.3, residues 185-205): VLVARIIHAV[Thr195Asn]KGCCSQTDGL